The following is an entry in ClinVar:

ClinVar aggregate classification (germline): Uncertain significance. Review status: criteria provided, multiple submitters, no conflicts (2 of 4 stars). 5 submissions from 5 submitters: Uncertain significance (5). Last evaluated 2025-06-19.

Conditions:
Inborn genetic diseases. Identifiers: MedGen C0950123, MeSH D030342.
Myoglobinuria, acute recurrent, autosomal recessive. Also called: MYOGLOBINURIA, FAMILIAL PAROXYSMAL PARALYTIC; RHABDOMYOLYSIS, ACUTE RECURRENT; Myoglobinuria, recurrent, autosomal recessive. Identifiers: Orphanet 99845, MedGen C1849386, MONDO:0009992, OMIM 268200.

Allele frequency attached by ClinVar (database versions not stated): ExAC 0.00003; gnomAD exomes 0.00003 and 0.00007; TOPMed 0.00004; ESP Exome Variant Server 0.00008.
gnomAD v4.1: 111 of 1,609,222 alleles (0.0069%); highest among the groups gnomAD compares: Middle Eastern, 0.016%; no homozygotes.

Submissions (5):

Ambry Genetics
Classification: Uncertain significance for Inborn genetic diseases. Last evaluated: 2025-06-19. Review status: criteria provided, single submitter. Criteria: Ambry Variant Classification Scheme 2023. Collection method: clinical testing. Allele origin: germline.

Labcorp Genetics (formerly Invitae), Labcorp
Classification: Uncertain significance. Last evaluated: 2022-06-17. Review status: criteria provided, single submitter. Criteria: Invitae Variant Classification Sherloc (09022015). Collection method: clinical testing. Allele origin: germline.
Comment: This sequence change replaces proline, which is neutral and non-polar, with alanine, which is neutral and non-polar, at codon 206 of the LPIN1 protein (p.Pro206Ala). This variant is present in population databases (rs370440936, gnomAD 0.009%). This variant has not been reported in the literature in individuals affected with LPIN1-related conditions. ClinVar contains an entry for this variant (Variation ID: 330908). Algorithms developed to predict the effect of missense changes on protein structure and function (SIFT, PolyPhen-2, Align-GVGD) all suggest that this variant is likely to be tolerated. In summary, the available evidence is currently insufficient to determine the role of this variant in disease. Therefore, it has been classified as a Variant of Uncertain Significance.

Fulgent Genetics
Classification: Uncertain significance for Myoglobinuria, acute recurrent, autosomal recessive. Last evaluated: 2021-11-12. Review status: criteria provided, single submitter. Criteria: ACMG Guidelines, 2015. Collection method: clinical testing. Allele origin: unknown.

Illumina Laboratory Services, Illumina
Classification: Uncertain significance for Myoglobinuria, acute recurrent, autosomal recessive. Last evaluated: 2018-01-13. Review status: criteria provided, single submitter. Criteria: ICSL Variant Classification Criteria 13 December 2019. Collection method: clinical testing. Allele origin: germline.

GeneDx
Classification: Uncertain significance. Last evaluated: 2017-09-13. Review status: criteria provided, single submitter. Criteria: GeneDx Variant Classification (06012015). Collection method: clinical testing. Allele origin: germline. Affected: yes.
Comment: The P206A variant in the LPIN1 gene has not been reported previously as a pathogenic variant, nor as a benign variant, to our knowledge. The P206A variant is observed in 4/66506 (0.006%) alleles from individuals of non-Finnish European background in the ExAC dataset (Lek et al., 2016). The P206A variant is a semi-conservative amino acid substitution, which may impact secondary protein structure as these residues differ in some properties. This substitution occurs at a position that is not conserved across species. In silico analysis predicts this variant likely does not alter the protein structure/function. We interpret P206A as a variant of uncertain significance.

NM_001349206.2(LPIN1):c.616C>G (p.Pro206Ala)

Gene: LPIN1 (lipin 1; plus strand). Cytogenetic location: 2p25.1.
Variant type: single nucleotide variant.
Coding change: c.616C>G on transcript NM_001349206.2 (MANE Select); coding-DNA position 616, C replaced by G.
Protein change: p.Pro206Ala; replaces proline 206 with alanine.
Molecular consequence: missense variant. On other transcripts: non-coding transcript variant (1).
Genome position (GRCh38, 1-based): chr2:11,773,639, C>G. VCF-style: chr2-11773639-C-G. GRCh37 (hg19) VCF-style: chr2-11913765-C-G.
Other names: c.634C>G, p.Pro212Ala (NM_001261427.3); c.763C>G, p.Pro255Ala (NM_001261428.3, NM_001349208.2); c.616C>G, p.Pro206Ala (NM_001349199.2, NM_001349200.2, NM_001349201.2 and 5 more transcripts); c.706C>G, p.Pro236Ala (NM_001349207.2); c.616C>G (NM_145693.1); short protein forms P206A, P236A, P255A, P212A.
Identifiers: ClinVar variation 330908 (VCV000330908.11), dbSNP rs370440936, ClinGen allele CA1533472.